The following is an entry in ClinVar:

NM_020778.5(ALPK3):c.4023C>A (p.Cys1341Ter)

Gene: ALPK3 (alpha kinase 3; plus strand). Cytogenetic location: 15q25.3.
Variant type: single nucleotide variant.
Coding change: c.4023C>A on transcript NM_020778.5 (MANE Select); coding-DNA position 4023, C replaced by A.
Protein change: p.Cys1341Ter; replaces cysteine 1341 with a stop codon.
Molecular consequence: nonsense.
Genome position (GRCh38, 1-based): chr15:84,859,833, C>A. VCF-style: chr15-84859833-C-A. GRCh37 (hg19) VCF-style: chr15-85403064-C-A.
Other names: short protein forms C1341*.
Identifiers: ClinVar variation 3653103 (VCV003653103.2).

ClinVar aggregate classification (germline): Pathogenic (1 of 4 stars; one submission).

Submission:

Labcorp Genetics (formerly Invitae), Labcorp
Classification: Pathogenic. Last evaluated: 2024-05-12. Review status: criteria provided, single submitter. Criteria: Invitae Variant Classification Sherloc (09022015). Collection method: clinical testing. Allele origin: germline.
Comment: This sequence change creates a premature translational stop signal (p.Cys1543*) in the ALPK3 gene. It is expected to result in an absent or disrupted protein product. Loss-of-function variants in ALPK3 are known to be pathogenic (PMID: 21441111, 26846950, 27106955, 34263907). This variant is not present in population databases (gnomAD no frequency). This variant has not been reported in the literature in individuals affected with ALPK3-related conditions. Algorithms developed to predict the effect of sequence changes on RNA splicing suggest that this variant may disrupt the consensus splice site. For these reasons, this variant has been classified as Pathogenic.

Literature cited by the submitters: PubMed 21441111; PubMed 26846950; PubMed 27106955; PubMed 34263907.